The following is an entry in ClinVar:

ClinVar aggregate classification (germline): Uncertain significance (1 of 4 stars; one submission).

Allele frequency attached by ClinVar (database versions not stated): gnomAD exomes below 0.00001; TOPMed below 0.00001; gnomAD 0.00001.
gnomAD v4.1: 6 of 1,613,592 alleles (0.00037%); highest among the groups gnomAD compares: East Asian, 0.0022%; no homozygotes.

Submission:

Labcorp Genetics (formerly Invitae), Labcorp
Classification: Uncertain significance. Last evaluated: 2023-03-23. Review status: criteria provided, single submitter. Criteria: Invitae Variant Classification Sherloc (09022015). Collection method: clinical testing. Allele origin: germline.
Comment: This sequence change falls in intron 8 of the FBLN5 gene. It does not directly change the encoded amino acid sequence of the FBLN5 protein. It affects a nucleotide within the consensus splice site. This variant is not present in population databases (gnomAD no frequency). This variant has not been reported in the literature in individuals affected with FBLN5-related conditions. Variants that disrupt the consensus splice site are a relatively common cause of aberrant splicing (PMID: 17576681, 9536098). Algorithms developed to predict the effect of sequence changes on RNA splicing suggest that this variant is not likely to affect RNA splicing. In summary, the available evidence is currently insufficient to determine the role of this variant in disease. Therefore, it has been classified as a Variant of Uncertain Significance.

Literature cited by the submitters: PubMed 17576681; PubMed 9536098.

NM_006329.4(FBLN5):c.862+6G>A

Gene: FBLN5 (fibulin 5; minus strand). Cytogenetic location: 14q32.12.
Variant type: single nucleotide variant.
Coding change: c.862+6G>A on transcript NM_006329.4 (MANE Select); 6 bases into the intron after coding-DNA position 862, G replaced by A.
Molecular consequence: intron variant.
Genome position (GRCh38, 1-based): chr14:91,882,948, C>T on the plus strand (G>A on the coding strand, the complement: FBLN5 is on the minus strand). VCF-style: chr14-91882948-C-T. GRCh37 (hg19) VCF-style: chr14-92349292-C-T.
Other names: c.862+6G>A (NM_001384160.1); c.985+6G>A (NM_001384158.1); c.694+6G>A (NM_001384162.1, NM_001384161.1); c.913+6G>A (NM_001384159.1).
Identifiers: ClinVar variation 2821244 (VCV002821244.3), dbSNP rs1446089983, ClinGen allele CA709918789.